The following is an entry in ClinVar:

NM_001429.4(EP300):c.1053C>G (p.Cys351Trp)

Gene: EP300 (EP300 lysine acetyltransferase; plus strand). Cytogenetic location: 22q13.2.
Variant type: single nucleotide variant.
Coding change: c.1053C>G on transcript NM_001429.4 (MANE Select); coding-DNA position 1053, C replaced by G.
Protein change: p.Cys351Trp; replaces cysteine 351 with tryptophan.
Molecular consequence: missense variant.
Genome position (GRCh38, 1-based): chr22:41,127,633, C>G. VCF-style: chr22-41127633-C-G. GRCh37 (hg19) VCF-style: chr22-41523637-C-G.
Other names: c.1053C>G, p.Cys351Trp (NM_001362843.2); short protein forms C351W.
Identifiers: ClinVar variation 1702625 (VCV001702625.3), dbSNP rs1388226313, ClinGen allele CA411683911.

ClinVar aggregate classification (germline): Uncertain significance (1 of 4 stars; one submission).

Submission:

GeneDx
Classification: Uncertain significance. Last evaluated: 2024-02-13. Review status: criteria provided, single submitter. Criteria: GeneDx Variant Classification Process June 2021. Collection method: clinical testing. Allele origin: germline.
Comment: Not observed at significant frequency in large population cohorts (gnomAD); In silico analysis supports that this missense variant has a deleterious effect on protein structure/function; Has not been previously published as pathogenic or benign to our knowledge